The following is an entry in ClinVar:

ClinVar aggregate classification (germline): Uncertain significance. Review status: criteria provided, multiple submitters, no conflicts (2 of 4 stars). 2 submissions from 2 submitters: Uncertain significance (2). Last evaluated 2022-02-02.

Allele frequency attached by ClinVar (database versions not stated): gnomAD exomes below 0.00001; gnomAD 0.00001; TOPMed 0.00001.
gnomAD v4.1: 2 of 1,614,002 alleles (0.00012%); highest among the groups gnomAD compares: African/African-American, 0.0027%; no homozygotes.

Submissions (2):

Labcorp Genetics (formerly Invitae), Labcorp
Classification: Uncertain significance. Last evaluated: 2022-02-02. Review status: criteria provided, single submitter. Criteria: Invitae Variant Classification Sherloc (09022015). Collection method: clinical testing. Allele origin: germline.
Comment: In summary, the available evidence is currently insufficient to determine the role of this variant in disease. Therefore, it has been classified as a Variant of Uncertain Significance. Algorithms developed to predict the effect of missense changes on protein structure and function are either unavailable or do not agree on the potential impact of this missense change (SIFT: "Not Available"; PolyPhen-2: "Probably Damaging"; Align-GVGD: "Not Available"). This variant has not been reported in the literature in individuals affected with ADAMTS18-related conditions. This variant is present in population databases (no rsID available, gnomAD 0.004%). This sequence change replaces alanine, which is neutral and non-polar, with aspartic acid, which is acidic and polar, at codon 1171 of the ADAMTS18 protein (p.Ala1171Asp).

Blueprint Genetics
Classification: Uncertain significance. Last evaluated: 2019-11-18. Review status: criteria provided, single submitter. Criteria: ACMG Guidelines, 2015. Collection method: clinical testing. Allele origin: germline.

NM_199355.4(ADAMTS18):c.3512C>A (p.Ala1171Asp)

Genes: ADAMTS18 (ADAM metallopeptidase with thrombospondin type 1 motif 18; minus strand), LOC126862407 (CDK7 strongly-dependent group 2 enhancer GRCh37_chr16:77322970-77324169; plus strand). Cytogenetic location: 16q23.1.
Variant type: single nucleotide variant.
Coding change: c.3512C>A on transcript NM_199355.4 (MANE Select); coding-DNA position 3512, C replaced by A.
Protein change: p.Ala1171Asp; replaces alanine 1171 with aspartic acid.
Molecular consequence: missense variant.
Genome position (GRCh38, 1-based): chr16:77,289,302, G>T on the plus strand (C>A on the coding strand, the complement: ADAMTS18 is on the minus strand). VCF-style: chr16-77289302-G-T. GRCh37 (hg19) VCF-style: chr16-77323199-G-T.
Other names: c.2996C>A, p.Ala999Asp (NM_001326358.2); short protein forms A1171D, A999D.
Identifiers: ClinVar variation 1491638 (VCV001491638.7), dbSNP rs1364135085, ClinGen allele CA396830375.